The following is an entry in ClinVar:

ClinVar aggregate classification (germline): Conflicting classifications of pathogenicity. Review status: criteria provided, conflicting classifications (1 of 4 stars). 3 submissions from 3 submitters: Likely pathogenic (1); Uncertain significance (1). 1 of the submissions does not count toward it. Last evaluated 2026-01-16.

Conditions:
3-methylcrotonyl-CoA carboxylase 2 deficiency. Also called: METHYLCROTONYLGLYCINURIA, TYPE II; 3 alpha methylcrotonyl-CoA carboxylase 2 deficiency; 3 alpha methylcrotonylglycinuria 2; MCC 2 deficiency; Methylcrotonylglycinuria type 2. Identifiers: Orphanet 6, MedGen C1859499, MONDO:0008862, OMIM 210210.

Allele frequency attached by ClinVar (database versions not stated): gnomAD exomes 0.00001 and 0.00002.
gnomAD v4.1: 4 of 1,534,420 alleles (0.00026%); highest among the groups gnomAD compares: Admixed American, 0.0059%; no homozygotes.

Submissions (3):

Myriad Genetics, Inc.
Classification: Uncertain significance for 3-methylcrotonyl-CoA carboxylase 2 deficiency. Last evaluated: 2026-01-16. Review status: criteria provided, single submitter. Criteria: Myriad Autosomal Dominant, Autosomal Recessive and X-Linked Classification Criteria (2023). Collection method: clinical testing. Allele origin: unknown.
Comment: NM_022132.4(MCCC2):c.129+3A>G is an intronic variant classified as a variant of uncertain significance in the context of 3-methylcrotonyl-CoA carboxylase deficiency, MCCC2-related. c.129+3A>G has been observed in a case with relevant disease (PMID: 35281663). Relevant functional assessments of this variant are not available in the literature. c.129+3A>G has been observed in referenced population frequency databases. In summary, there is insufficient evidence to classify NM_022132.4(MCCC2):c.129+3A>G as pathogenic or benign. Please note: this variant was assessed in the context of healthy population screening.

Labcorp Genetics (formerly Invitae), Labcorp
Classification: Likely pathogenic for 3-methylcrotonyl-CoA carboxylase 2 deficiency. Last evaluated: 2025-10-24. Review status: criteria provided, single submitter. Criteria: Invitae Variant Classification Sherloc (09022015). Collection method: clinical testing. Allele origin: germline.
Comment: This sequence change falls in intron 1 of the MCCC2 gene. It does not directly change the encoded amino acid sequence of the MCCC2 protein. It affects a nucleotide within the consensus splice site. The frequency data for this variant in the population databases is considered unreliable, as metrics indicate poor data quality at this position in the gnomAD database. This variant has been observed in individuals with 3-methylcrotonyl-CoA carboxylase deficiency (PMID: 30626930; internal data). ClinVar contains an entry for this variant (Variation ID: 1013669). Variants that disrupt the consensus splice site are a relatively common cause of aberrant splicing (PMID: 17576681, 9536098). Algorithms developed to predict the effect of sequence changes on RNA splicing suggest that this variant may disrupt the consensus splice site. In summary, the currently available evidence indicates that the variant is pathogenic, but additional data are needed to prove that conclusively. Therefore, this variant has been classified as Likely Pathogenic.

Natera, Inc.
Classification: Uncertain significance for 3-methylcrotonyl-CoA carboxylase 2 deficiency. Last evaluated: 2020-12-08. Review status: no assertion criteria provided. Collection method: clinical testing. Allele origin: germline. Not counted in ClinVar's aggregate classification.

Literature cited by the submitters: PubMed 35281663 (cited by Myriad Genetics, Inc.); PubMed 30626930 (cited by Labcorp Genetics (formerly Invitae), Labcorp); PubMed 17576681 (cited by Labcorp Genetics (formerly Invitae), Labcorp); PubMed 9536098 (cited by Labcorp Genetics (formerly Invitae), Labcorp).

NM_022132.5(MCCC2):c.129+3A>G

Gene: MCCC2 (methylcrotonyl-CoA carboxylase subunit 2; plus strand). Cytogenetic location: 5q13.2.
Variant type: single nucleotide variant.
Coding change: c.129+3A>G on transcript NM_022132.5 (MANE Select); 3 bases into the intron after coding-DNA position 129, A replaced by G.
Molecular consequence: intron variant.
Genome position (GRCh38, 1-based): chr5:71,587,557, A>G. VCF-style: chr5-71587557-A-G. GRCh37 (hg19) VCF-style: chr5-70883384-A-G.
Other names: c.129+3A>G (NM_001363147.1).
Identifiers: ClinVar variation 1013669 (VCV001013669.12), dbSNP rs1352606118, ClinGen allele CA560313754.